The following is an entry in ClinVar:

NM_006946.4(SPTBN2):c.4415C>A (p.Ala1472Asp)

Gene: SPTBN2 (spectrin beta, non-erythrocytic 2; minus strand). Cytogenetic location: 11q13.2.
Variant type: single nucleotide variant.
Coding change: c.4415C>A on transcript NM_006946.4 (MANE Select); coding-DNA position 4415, C replaced by A.
Protein change: p.Ala1472Asp; replaces alanine 1472 with aspartic acid.
Molecular consequence: missense variant.
Genome position (GRCh38, 1-based): chr11:66,694,227, G>T on the plus strand (C>A on the coding strand, the complement: SPTBN2 is on the minus strand). VCF-style: chr11-66694227-G-T. GRCh37 (hg19) VCF-style: chr11-66461698-G-T.
Other names: c.4436C>A, p.Ala1479Asp (NM_001411025.1); c.4415C>A, p.Ala1472Asp (NM_001437541.1); short protein forms A1472D, A1479D.
Identifiers: ClinVar variation 4292907 (VCV004292907.1).

ClinVar aggregate classification (germline): Uncertain significance (1 of 4 stars; one submission).

Conditions:
Spinocerebellar ataxia type 5 (SCA5). Identifiers: Orphanet 98766, MedGen C0752123, MONDO:0010848, OMIM 600224.

Submission:

3billion
Classification: Uncertain significance for Spinocerebellar ataxia type 5. Last evaluated: 2025-02-06. Review status: criteria provided, single submitter. Criteria: ACMG Guidelines, 2015. Collection method: clinical testing. Allele origin: germline. Affected: yes.
Comment: The variant is not observed in the gnomAD v4.1.0 dataset. Predicted Consequence/Location: Missense variant In silico tool predictions suggest no damaging effect of the variant on gene or gene product [REVEL: 0.13 (<0.4); 3Cnet: 0.01 (<0.15, specificity 0.78 and negative predictive value 0.92)]. Therefore, this variant is classified as VUS according to the recommendation of ACMG/AMP guideline.